The following is an entry in ClinVar:

ClinVar aggregate classification (germline): Pathogenic (1 of 4 stars; one submission).

Conditions:
Neu-Laxova syndrome 2. Identifiers: Orphanet 2671, Orphanet 583602, MedGen C4015019, MONDO:0014466, OMIM 616038.

Submission:

Labcorp Genetics (formerly Invitae), Labcorp
Classification: Pathogenic for Neu-Laxova syndrome 2. Last evaluated: 2023-12-28. Review status: criteria provided, single submitter. Criteria: Invitae Variant Classification Sherloc (09022015). Collection method: clinical testing. Allele origin: germline.
Comment: This variant is a gross deletion of the genomic region encompassing exon(s) 4-6 of the PSAT1 gene. This variant would be expected to be in-frame, preserving the integrity of the reading frame. This variant has not been reported in the literature in individuals affected with PSAT1-related conditions. This variant disrupts a region of the PSAT1 protein in which other variant(s) (p.Asp100Ala) have been determined to be pathogenic (PMID: 17436247). This suggests that this is a clinically significant region of the protein, and that variants that disrupt it are likely to be disease-causing. For these reasons, this variant has been classified as Pathogenic.

Literature cited by the submitters: PubMed 17436247.

NC_000009.11:g.(?_80919631)_(80923519_?)del

Gene: PSAT1 (phosphoserine aminotransferase 1; plus strand). Cytogenetic location: 9q21.2.
Variant type: Deletion.
Identifiers: ClinVar variation 1345889 (VCV001345889.7).